The following is an entry in ClinVar:

ClinVar aggregate classification (germline): Uncertain significance (1 of 4 stars; one submission).

Conditions:
Inborn genetic diseases. Identifiers: MedGen C0950123, MeSH D030342.

Submission:

Ambry Genetics
Classification: Uncertain significance for Inborn genetic diseases. Last evaluated: 2020-05-27. Review status: criteria provided, single submitter. Criteria: Ambry Variant Classification Scheme 2023. Collection method: clinical testing. Allele origin: germline.
Comment: The c.242A>T (p.N81I) alteration is located in exon 1 (coding exon 1) of the PTPRQ gene. This alteration results from an A to T substitution at nucleotide position 242, causing the asparagine (N) at amino acid position 81 to be replaced by an isoleucine (I). The alteration is not observed in population databases:_x000D_ _x000D_ Based on data from the Genome Aggregation Database (gnomAD), the PTPRQ c.242A>T alteration was not observed, with coverage at this position. This amino acid position is not well conserved in available vertebrate species. The alteration is predicted tolerated by in silico modeling:_x000D_ _x000D_ The p.N81I alteration is predicted to be tolerated by in silico analysis. Based on insufficient or conflicting evidence, the clinical significance of this alteration remains unclear.

NM_001145026.2(PTPRQ):c.242A>T (p.Asn81Ile)

Gene: PTPRQ (protein tyrosine phosphatase receptor type Q; plus strand). Cytogenetic location: 12q21.31.
Variant type: single nucleotide variant.
Coding change: c.242A>T on transcript NM_001145026.2 (MANE Select); coding-DNA position 242, A replaced by T.
Protein change: p.Asn81Ile; replaces asparagine 81 with isoleucine.
Molecular consequence: missense variant.
Genome position (GRCh38, 1-based): chr12:80,445,569, A>T. VCF-style: chr12-80445569-A-T. GRCh37 (hg19) VCF-style: chr12-80839349-A-T.
Other names: short protein forms N81I.
Identifiers: ClinVar variation 2226955 (VCV002226955.2), dbSNP rs2541516559, ClinGen allele CA385866484.